The following is an entry in ClinVar:

NM_021096.4(CACNA1I):c.4279G>A (p.Val1427Met)

Gene: CACNA1I (calcium voltage-gated channel subunit alpha1 I; plus strand). Cytogenetic location: 22q13.1.
Variant type: single nucleotide variant.
Coding change: c.4279G>A on transcript NM_021096.4 (MANE Select); coding-DNA position 4279, G replaced by A.
Protein change: p.Val1427Met; replaces valine 1427 with methionine.
Molecular consequence: missense variant.
Genome position (GRCh38, 1-based): chr22:39,670,122, G>A. VCF-style: chr22-39670122-G-A. GRCh37 (hg19) VCF-style: chr22-40066127-G-A.
Other names: c.4174G>A, p.Val1392Met (NM_001003406.2); short protein forms V1392M, V1427M.
Identifiers: ClinVar variation 1710724 (VCV001710724.3), dbSNP rs2518182074, ClinGen allele CA411664526.
Genomic context (GRCh38, chr22:39,670,122, plus strand): 5'-ATGCTGCTGTACTTCATCTCCTTCCTGCTCATCGTCAGCTTCTTTGTGCTCAACATGTTT[G>A]TGGGTGTCGTGGTGGAGAACTTCCACAAGTGCCGGCAGCACCAGGAGGCTGAAGAGGCAC-3'
Protein context (NP_066919.2, residues 1417-1437): IVSFFVLNMF[Val1427Met]GVVVENFHKC

ClinVar aggregate classification (germline): Uncertain significance. Review status: criteria provided, multiple submitters, no conflicts (2 of 4 stars). 2 submissions from 2 submitters: Uncertain significance (2). Last evaluated 2023-05-16.

Conditions:
CACNA1I-related disorder. Also called: CACNA1I-related condition.

Submissions (2):

PreventionGenetics, part of Exact Sciences
Classification: Uncertain significance for CACNA1I-related condition. Last evaluated: 2023-05-16. Review status: criteria provided, single submitter. Criteria: ACMG Guidelines, 2015. Collection method: clinical testing. Allele origin: germline.
Comment: The CACNA1I c.4279G>A variant is predicted to result in the amino acid substitution p.Val1427Met. This variant was reported with de novo occurrence in an individual from a large autism spectrum disorder cohort; however, no additional evidence was provided to support causation (Lim et al 2017. PubMed ID: 28714951). This variant has not been reported in a large population database, indicating it is rare. Although we suspect this variant may be pathogenic, at this time t this time, the clinical significance is uncertain due to the absence of conclusive functional and genetic evidence.

GeneDx
Classification: Uncertain significance. Last evaluated: 2022-04-12. Review status: criteria provided, single submitter. Criteria: GeneDx Variant Classification Process June 2021. Collection method: clinical testing. Allele origin: germline. Affected: yes.
Comment: Not observed at significant frequency in large population cohorts (gnomAD); In silico analysis supports that this missense variant has a deleterious effect on protein structure/function; This variant is associated with the following publications: (PMID: 28714951)